The following is an entry in ClinVar:

NM_014727.3(KMT2B):c.2419G>A (p.Asp807Asn)

Gene: KMT2B (lysine methyltransferase 2B; plus strand). Cytogenetic location: 19q13.12.
Variant type: single nucleotide variant.
Coding change: c.2419G>A on transcript NM_014727.3 (MANE Select); coding-DNA position 2419, G replaced by A.
Protein change: p.Asp807Asn; replaces aspartic acid 807 with asparagine.
Molecular consequence: missense variant.
Genome position (GRCh38, 1-based): chr19:35,721,766, G>A. VCF-style: chr19-35721766-G-A. GRCh37 (hg19) VCF-style: chr19-36212668-G-A.
Other names: c.2419G>A (NM_014727.2); short protein forms D807N.
Identifiers: ClinVar variation 2877715 (VCV002877715.4), dbSNP rs772421841, ClinGen allele CA9384429.

ClinVar aggregate classification (germline): Uncertain significance. Review status: criteria provided, multiple submitters, no conflicts (2 of 4 stars). 2 submissions from 2 submitters: Uncertain significance (2). Last evaluated 2024-10-24.

Submissions (2):

GeneDx
Classification: Uncertain significance. Last evaluated: 2024-10-24. Review status: criteria provided, single submitter. Criteria: GeneDx Variant Classification Process June 2021. Collection method: clinical testing. Allele origin: germline. Affected: yes.
Comment: Not observed at significant frequency in large population cohorts (gnomAD); In silico analysis indicates that this missense variant does not alter protein structure/function; Has not been previously published as pathogenic or benign to our knowledge

Labcorp Genetics (formerly Invitae), Labcorp
Classification: Uncertain significance. Last evaluated: 2023-07-16. Review status: criteria provided, single submitter. Criteria: Invitae Variant Classification Sherloc (09022015). Collection method: clinical testing. Allele origin: germline.
Comment: In summary, the available evidence is currently insufficient to determine the role of this variant in disease. Therefore, it has been classified as a Variant of Uncertain Significance. Advanced modeling of protein sequence and biophysical properties (such as structural, functional, and spatial information, amino acid conservation, physicochemical variation, residue mobility, and thermodynamic stability) has been performed at Invitae for this missense variant, however the output from this modeling did not meet the statistical confidence thresholds required to predict the impact of this variant on KMT2B protein function. This variant has not been reported in the literature in individuals affected with KMT2B-related conditions. This variant is not present in population databases (gnomAD no frequency). This sequence change replaces aspartic acid, which is acidic and polar, with asparagine, which is neutral and polar, at codon 807 of the KMT2B protein (p.Asp807Asn).